The following is an entry in ClinVar:

NM_004646.4(NPHS1):c.1102C>T (p.Pro368Ser)

Gene: NPHS1 (NPHS1 adhesion molecule, nephrin; minus strand). Cytogenetic location: 19q13.12.
Variant type: single nucleotide variant.
Coding change: c.1102C>T on transcript NM_004646.4 (MANE Select); coding-DNA position 1102, C replaced by T.
Protein change: p.Pro368Ser; replaces proline 368 with serine.
Molecular consequence: missense variant.
Genome position (GRCh38, 1-based): chr19:35,848,705, G>A on the plus strand (C>T on the coding strand, the complement: NPHS1 is on the minus strand). VCF-style: chr19-35848705-G-A. GRCh37 (hg19) VCF-style: chr19-36339607-G-A.
Other names: short protein forms P368S.
Identifiers: ClinVar variation 56423 (VCV000056423.7), dbSNP rs386833866, ClinGen allele CA250092.

ClinVar aggregate classification (germline): Likely pathogenic. Review status: criteria provided, multiple submitters, no conflicts (2 of 4 stars). 4 submissions from 4 submitters: Likely pathogenic (3). 1 of the submissions does not count toward it. Last evaluated 2025-06-01.

Conditions:
Finnish congenital nephrotic syndrome (NPHS1). Also called: NEPHROTIC SYNDROME, TYPE 1. Identifiers: Orphanet 839, MedGen C0403399, MONDO:0009732, OMIM 256300.

Submissions (4):

Natera, Inc.
Classification: Likely pathogenic for Finnish congenital nephrotic syndrome. Last evaluated: 2025-06-01. Review status: criteria provided, single submitter. Criteria: Natera Variant Classification Schema (03/2026). Collection method: clinical testing. Allele origin: germline.
Comment: The c.1102C>T variant in NPHS1 is a missense variant predicted to cause substitution of proline to serine at amino acid 368. This variant is rare in the general population with a frequency below the threshold expected for the associated phenotype(s). This variant has been observed in one or more individuals affected with the associated recessive disease, as either homozygous or compound heterozygous with a second variant (PMID: 31937884, 9915943). A different variant at the same position has been determined to be Pathogenic or Likely Pathogenic. Computational prediction algorithms indicate this variant is likely to affect gene or protein function. Given the available evidence, this variant is classified as Likely Pathogenic.

Baylor Genetics
Classification: Likely pathogenic for Finnish congenital nephrotic syndrome. Last evaluated: 2024-01-11. Review status: criteria provided, single submitter. Criteria: ACMG Guidelines, 2015. Collection method: clinical testing. Allele origin: unknown.

Labcorp Genetics (formerly Invitae), Labcorp
Classification: Likely pathogenic. Last evaluated: 2023-04-06. Review status: criteria provided, single submitter. Criteria: Invitae Variant Classification Sherloc (09022015). Collection method: clinical testing. Allele origin: germline.
Comment: This sequence change replaces proline, which is neutral and non-polar, with serine, which is neutral and polar, at codon 368 of the NPHS1 protein (p.Pro368Ser). This variant is not present in population databases (gnomAD no frequency). This missense change has been observed in individual(s) with congenital nephrotic syndrome (PMID: 31937884). In at least one individual the data is consistent with being in trans (on the opposite chromosome) from a pathogenic variant. ClinVar contains an entry for this variant (Variation ID: 56423). Advanced modeling of protein sequence and biophysical properties (such as structural, functional, and spatial information, amino acid conservation, physicochemical variation, residue mobility, and thermodynamic stability) performed at Invitae indicates that this missense variant is expected to disrupt NPHS1 protein function. Experimental studies have shown that this missense change affects NPHS1 function (PMID: 11726550, 15213260). In summary, the currently available evidence indicates that the variant is pathogenic, but additional data are needed to prove that conclusively. Therefore, this variant has been classified as Likely Pathogenic.

Juha Muilu Group; Institute for Molecular Medicine Finland (FIMM)
Classification: Likely pathogenic for Finnish congenital nephrotic syndrome. Review status: no assertion criteria provided. Collection method: not provided. Allele origin: unknown. Not counted in ClinVar's aggregate classification.
Comment: FinDis database variant: This variant was not found or characterized by our laboratory, data were collected from public sources: see reference
ClinVar note: Converted during submission from probable-pathogenic to Likely pathogenic.

Literature cited by the submitters: PubMed 31937884 (cited by Natera, Inc. and Labcorp Genetics (formerly Invitae), Labcorp); PubMed 9915943 (cited by Natera, Inc.); PubMed 11726550 (cited by Labcorp Genetics (formerly Invitae), Labcorp); PubMed 15213260 (cited by Labcorp Genetics (formerly Invitae), Labcorp).